The following is an entry in ClinVar:

ClinVar aggregate classification (germline): Uncertain significance (1 of 4 stars; one submission).

Allele frequency attached by ClinVar (database versions not stated): TOPMed 0.00001; gnomAD 0.00001; gnomAD exomes 0.00001.
gnomAD v4.1: 13 of 1,188,755 alleles (0.0011%); highest among the groups gnomAD compares: African/African-American, 0.0018%; no homozygotes.

Submission:

Labcorp Genetics (formerly Invitae), Labcorp
Classification: Uncertain significance. Last evaluated: 2022-06-14. Review status: criteria provided, single submitter. Criteria: Invitae Variant Classification Sherloc (09022015). Collection method: clinical testing. Allele origin: germline.
Comment: In summary, the available evidence is currently insufficient to determine the role of this variant in disease. Therefore, it has been classified as a Variant of Uncertain Significance. Algorithms developed to predict the effect of missense changes on protein structure and function (SIFT, PolyPhen-2, Align-GVGD) all suggest that this variant is likely to be tolerated. This variant has not been reported in the literature in individuals affected with SH3KBP1-related conditions. This variant is not present in population databases (gnomAD no frequency). This sequence change replaces leucine, which is neutral and non-polar, with isoleucine, which is neutral and non-polar, at codon 463 of the SH3KBP1 protein (p.Leu463Ile).

NM_031892.3(SH3KBP1):c.1387T>A (p.Leu463Ile)

Gene: SH3KBP1 (SH3 domain containing kinase binding protein 1; minus strand). Cytogenetic location: Xp22.12.
Variant type: single nucleotide variant.
Coding change: c.1387T>A on transcript NM_031892.3 (MANE Select); coding-DNA position 1387, T replaced by A.
Protein change: p.Leu463Ile; replaces leucine 463 with isoleucine.
Molecular consequence: missense variant.
Genome position (GRCh38, 1-based): chrX:19,550,081, A>T on the plus strand (T>A on the coding strand, the complement: SH3KBP1 is on the minus strand). VCF-style: chrX-19550081-A-T. GRCh37 (hg19) VCF-style: chrX-19568199-A-T.
Other names: c.1276T>A, p.Leu426Ile (NM_001024666.3); c.673T>A, p.Leu225Ile (NM_001184960.2, NM_001353897.2); c.1387T>A, p.Leu463Ile (NM_001353890.2); c.1462T>A, p.Leu488Ile (NM_001353891.2, NM_001353892.2); c.1285T>A, p.Leu429Ile (NM_001353893.2, NM_001353894.2); c.1342T>A, p.Leu448Ile (NM_001353895.2); c.1519T>A, p.Leu507Ile (NM_001410756.1, NM_001410757.1); c.1210T>A, p.Leu404Ile (NM_001410758.1); short protein forms L225I, L426I, L463I, L488I, L404I, L448I, L429I, L507I.
Identifiers: ClinVar variation 2006105 (VCV002006105.4), dbSNP rs267606416, ClinGen allele CA412497290.